The following is an entry in ClinVar:

ClinVar aggregate classification (germline): Uncertain significance (1 of 4 stars; one submission).

Submission:

Labcorp Genetics (formerly Invitae), Labcorp
Classification: Uncertain significance. Last evaluated: 2025-04-14. Review status: criteria provided, single submitter. Criteria: Invitae Variant Classification Sherloc (09022015). Collection method: clinical testing. Allele origin: germline.
Comment: This sequence change replaces alanine, which is neutral and non-polar, with proline, which is neutral and non-polar, at codon 599 of the CSF1R protein (p.Ala599Pro). This variant is not present in population databases (gnomAD no frequency). This variant has not been reported in the literature in individuals affected with CSF1R-related conditions. ClinVar contains an entry for this variant (Variation ID: 1509082). Invitae Evidence Modeling of protein sequence and biophysical properties (such as structural, functional, and spatial information, amino acid conservation, physicochemical variation, residue mobility, and thermodynamic stability) has been performed for this missense variant. However, the output from this modeling did not meet the statistical confidence thresholds required to predict the impact of this variant on CSF1R protein function. In summary, the available evidence is currently insufficient to determine the role of this variant in disease. Therefore, it has been classified as a Variant of Uncertain Significance.

NM_001288705.3(CSF1R):c.1795G>C (p.Ala599Pro)

Gene: CSF1R (colony stimulating factor 1 receptor; minus strand). Cytogenetic location: 5q32.
Variant type: single nucleotide variant.
Coding change: c.1795G>C on transcript NM_001288705.3 (MANE Select); coding-DNA position 1795, G replaced by C.
Protein change: p.Ala599Pro; replaces alanine 599 with proline.
Molecular consequence: missense variant. On other transcripts: non-coding transcript variant (2).
Genome position (GRCh38, 1-based): chr5:150,061,554, C>G on the plus strand (G>C on the coding strand, the complement: CSF1R is on the minus strand). VCF-style: chr5-150061554-C-G. GRCh37 (hg19) VCF-style: chr5-149441117-C-G.
Other names: c.1795G>C, p.Ala599Pro (NM_001349736.2, NM_001375320.1, NM_005211.4); c.1351G>C, p.Ala451Pro (NM_001375321.1); short protein forms A599P, A451P.
Identifiers: ClinVar variation 1509082 (VCV001509082.8), dbSNP rs2113792005, ClinGen allele CA361714116.
Genomic context (GRCh38, chr5:150,061,554, plus strand): 5'-TCAGCATCTTCACAGCCACCTTCAGGACAGCATCCTCCTTGCCCAGACCAAAGGCCGTGG[C>G]CTCCACCACCTTCCCAAAGGCTCCAGCTCCGAGGGTCTTACCTGCCACGCACACAGGTCC-3'
Protein context (NP_001275634.1, residues 589-609): GAGAFGKVVE[Ala599Pro]TAFGLGKEDA